The following is an entry in ClinVar:

NM_005618.4(DLL1):c.2152G>A (p.Val718Ile)

Genes: DLL1 (delta like canonical Notch ligand 1; minus strand), LOC126859913 (P300/CBP strongly-dependent group 1 enhancer GRCh37_chr6:170591232-170592431; plus strand). Cytogenetic location: 6q27.
Variant type: single nucleotide variant.
Coding change: c.2152G>A on transcript NM_005618.4 (MANE Select); coding-DNA position 2152, G replaced by A.
Protein change: p.Val718Ile; replaces valine 718 with isoleucine.
Molecular consequence: missense variant.
Genome position (GRCh38, 1-based): chr6:170,283,002, C>T on the plus strand (G>A on the coding strand, the complement: DLL1 is on the minus strand). VCF-style: chr6-170283002-C-T. GRCh37 (hg19) VCF-style: chr6-170592090-C-T.
Other names: short protein forms V718I.
Identifiers: ClinVar variation 1992084 (VCV001992084.4), dbSNP rs778087366, ClinGen allele CA4106602.

ClinVar aggregate classification (germline): Uncertain significance (1 of 4 stars; one submission).

Allele frequency attached by ClinVar (database versions not stated): ExAC 0.00002; gnomAD 0.00002; gnomAD exomes 0.00002; TOPMed 0.00003.
gnomAD v4.1: 35 of 1,614,052 alleles (0.0022%); highest among the groups gnomAD compares: East Asian, 0.0089%; no homozygotes.

Submission:

Labcorp Genetics (formerly Invitae), Labcorp
Classification: Uncertain significance. Last evaluated: 2022-02-17. Review status: criteria provided, single submitter. Criteria: Invitae Variant Classification Sherloc (09022015). Collection method: clinical testing. Allele origin: germline.
Comment: Algorithms developed to predict the effect of missense changes on protein structure and function output the following: SIFT: "Tolerated"; PolyPhen-2: "Benign"; Align-GVGD: "Class C0". The isoleucine amino acid residue is found in multiple mammalian species, which suggests that this missense change does not adversely affect protein function. In summary, the available evidence is currently insufficient to determine the role of this variant in disease. Therefore, it has been classified as a Variant of Uncertain Significance. This variant has not been reported in the literature in individuals affected with DLL1-related conditions. The frequency data for this variant in the population databases is considered unreliable, as metrics indicate poor data quality at this position in the gnomAD database. This sequence change replaces valine, which is neutral and non-polar, with isoleucine, which is neutral and non-polar, at codon 718 of the DLL1 protein (p.Val718Ile).